The following is an entry in ClinVar:

NC_000008.10:g.(?_100205084)_(100205305_?)del

Gene: VPS13B (vacuolar protein sorting 13 homolog B; plus strand). Cytogenetic location: 8q22.2.
Variant type: Deletion.
Identifiers: ClinVar variation 3245428 (VCV003245428.1).

ClinVar aggregate classification (germline): Pathogenic (1 of 4 stars; one submission).

Conditions:
Cohen syndrome (COH1). Also called: Cutis verticis gyrata, retinitis pigmentosa, and sensorineural deafness; PEPPER SYNDROME. Identifiers: Orphanet 193, MedGen C0265223, MONDO:0008999, OMIM 216550.

Submission:

Labcorp Genetics (formerly Invitae), Labcorp
Classification: Pathogenic for Cohen syndrome. Last evaluated: 2024-01-06. Review status: criteria provided, single submitter. Criteria: Invitae Variant Classification Sherloc (09022015). Collection method: clinical testing. Allele origin: unknown.
Comment: This variant is a gross deletion of the genomic region encompassing exon(s) 17 of the VPS13B gene. This deletion is out-of-frame, and is expected to create a premature termination codon and result in an absent or disrupted protein product. Loss-of-function variants in VPS13B are known to be pathogenic (PMID: 15141358, 16648375, 20461111). This variant has not been reported in the literature in individuals affected with VPS13B-related conditions. For these reasons, this variant has been classified as Pathogenic.

Literature cited by the submitters: PubMed 15141358; PubMed 16648375; PubMed 20461111.